The following is an entry in ClinVar:

NM_001367624.2(ZNF469):c.8602_8604delinsTGT (p.Arg2868Cys)

Gene: ZNF469 (zinc finger protein 469; plus strand). Cytogenetic location: 16q24.2.
Variant type: Indel.
Coding change: c.8602_8604delinsTGT on transcript NM_001367624.2 (MANE Select); coding-DNA positions 8602 to 8604, CGC replaced by TGT.
Protein change: p.Arg2868Cys; replaces arginine 2868 with cysteine.
Molecular consequence: missense variant.
Genome position (GRCh38, 1-based): chr16:88,436,072-88,436,074, CGC replaced by TGT. VCF-style: chr16-88436072-CGC-TGT. GRCh37 (hg19) VCF-style: chr16-88502480-CGC-TGT.
Other names: NM_001127464.1:c.8518_8520delinsTGT; short protein forms R2868C.
Identifiers: ClinVar variation 3367844 (VCV003367844.1).
Genomic context (GRCh38, chr16:88,436,072, plus strand): 5'-GATCCTCCAAGCTTGTTTGATGATGAGGTCTCTTTCTCCCAGCTCTTCCCTCCAGGCGGT[CGC>TGT]TTGACTAGAAAGAGGAACCCGCATGTCTACGGGAAGCGCTGTGAGAAGCCGGTGCTCCCG-3'
Protein context (NP_001354553.1, residues 2858-2878): SFSQLFPPGG[Arg2868Cys]LTRKRNPHVY

ClinVar aggregate classification (germline): Uncertain significance (1 of 4 stars; one submission).

Submission:

GeneDx
Classification: Uncertain significance. Last evaluated: 2024-01-12. Review status: criteria provided, single submitter. Criteria: GeneDx Variant Classification Process June 2021. Collection method: clinical testing. Allele origin: germline. Affected: yes.
Comment: Not observed at significant frequency in large population cohorts (gnomAD); In silico analysis supports that this variant does not alter protein structure/function; Has not been previously published as pathogenic or benign to our knowledge